The following is an entry in ClinVar:

NM_001367479.1(DNAH14):c.7671+3A>G

Gene: DNAH14 (dynein axonemal heavy chain 14; plus strand). Cytogenetic location: 1q42.12.
Variant type: single nucleotide variant.
Coding change: c.7671+3A>G on transcript NM_001367479.1 (MANE Select); 3 bases into the intron after coding-DNA position 7671, A replaced by G.
Molecular consequence: intron variant.
Genome position (GRCh38, 1-based): chr1:225,270,869, A>G. VCF-style: chr1-225270869-A-G. GRCh37 (hg19) VCF-style: chr1-225458571-A-G.
Identifiers: ClinVar variation 4976021 (VCV004976021.1).

ClinVar aggregate classification (germline): Uncertain significance (1 of 4 stars; one submission).

gnomAD v4.1: 2 of 1,549,660 alleles (0.00013%); highest among the groups gnomAD compares: Middle Eastern, 0.017%; no homozygotes.

Submission:

GeneDx
Classification: Uncertain significance. Last evaluated: 2026-02-05. Review status: criteria provided, single submitter. Criteria: GeneDx Variant Classification Process June 2021. Collection method: clinical testing. Allele origin: germline.
Comment: Not observed at significant frequency in large population cohorts (gnomAD); In silico analysis supports a deleterious effect on splicing; Has not been previously published as pathogenic or benign to our knowledge